The following is an entry in ClinVar:

ClinVar aggregate classification (germline): Conflicting classifications of pathogenicity. Review status: criteria provided, conflicting classifications (1 of 4 stars). 4 submissions from 4 submitters: Uncertain significance (3); Likely benign (1). Last evaluated 2026-07-08.

Allele frequency attached by ClinVar (database versions not stated): gnomAD exomes 0.00002 and 0.00004; gnomAD 0.00003; TOPMed 0.00003; ExAC 0.00004; ESP Exome Variant Server 0.00008.

Submissions (4):

GeneDx
Classification: Uncertain significance. Last evaluated: 2026-07-08. Review status: criteria provided, single submitter. Criteria: GeneDx Variant Classification Process June 2021. Collection method: clinical testing. Allele origin: germline.
Comment: Observed in unrelated patients with vertebral malformations in published literature (PMID: 37462524); In silico analysis supports that this missense variant has a deleterious effect on protein structure/function; This variant is associated with the following publications: (PMID: 37462524)

Labcorp Genetics (formerly Invitae), Labcorp
Classification: Uncertain significance. Last evaluated: 2025-04-11. Review status: criteria provided, single submitter. Criteria: Invitae Variant Classification Sherloc (09022015). Collection method: clinical testing. Allele origin: germline.
Comment: This sequence change replaces arginine, which is basic and polar, with tryptophan, which is neutral and slightly polar, at codon 130 of the COL11A2 protein (p.Arg130Trp). This variant is present in population databases (rs144363465, gnomAD 0.02%). This missense change has been observed in individual(s) with clinical features of COL11A2-related conditions (PMID: 37462524). ClinVar contains an entry for this variant (Variation ID: 162996). Invitae Evidence Modeling of protein sequence and biophysical properties (such as structural, functional, and spatial information, amino acid conservation, physicochemical variation, residue mobility, and thermodynamic stability) indicates that this missense variant is not expected to disrupt COL11A2 protein function with a negative predictive value of 95%. Experimental studies have shown that this missense change affects COL11A2 function (PMID: 37462524). In summary, the available evidence is currently insufficient to determine the role of this variant in disease. Therefore, it has been classified as a Variant of Uncertain Significance.

Blueprint Genetics
Classification: Likely benign. Last evaluated: 2024-04-19. Review status: criteria provided, single submitter. Criteria: ACMG Guidelines, 2015. Collection method: clinical testing. Allele origin: germline.

Laboratory for Molecular Medicine, Mass General Brigham Personalized Medicine
Classification: Uncertain significance. Last evaluated: 2013-11-22. Review status: criteria provided, single submitter. Criteria: LMM Criteria. Collection method: clinical testing. Allele origin: germline. Observed: 1 variant allele.
Comment: The Arg130Trp variant in COL11A2 has not been reported in individuals with heari ng loss, but has been identified in 0.02% (1/4406) of African American chromosom es by the NHLBI Exome Sequencing Project (dbS NP rs144363465). Computational analyses (biochemical amino acid properties, cons ervation, AlignGVGD, PolyPhen2, and SIFT) do not provide strong support for or a gainst an impact to the protein. In summary, additional data is needed to determ ine the clinical significance of this variant.

Literature cited by the submitters: PubMed 37462524 (cited by Labcorp Genetics (formerly Invitae), Labcorp).

NM_080680.3(COL11A2):c.388C>T (p.Arg130Trp)

Gene: COL11A2 (collagen type XI alpha 2 chain; minus strand). Cytogenetic location: 6p21.32.
Variant type: single nucleotide variant.
Coding change: c.388C>T on transcript NM_080680.3 (MANE Select); coding-DNA position 388, C replaced by T.
Protein change: p.Arg130Trp; replaces arginine 130 with tryptophan.
Molecular consequence: missense variant.
Genome position (GRCh38, 1-based): chr6:33,189,033, G>A on the plus strand (C>T on the coding strand, the complement: COL11A2 is on the minus strand). VCF-style: chr6-33189033-G-A. GRCh37 (hg19) VCF-style: chr6-33156810-G-A.
Other names: c.388C>T, p.Arg130Trp (NM_001163771.2, NM_080679.3, NM_080681.3); short protein forms R130W.
Identifiers: ClinVar variation 162996 (VCV000162996.19), dbSNP rs144363465, ClinGen allele CA175577.